The following is an entry in ClinVar:

NM_025215.6(PUS1):c.170G>A (p.Arg57His)

Genes: PUS1 (pseudouridine synthase 1; plus strand), LOC130009240 (ATAC-STARR-seq lymphoblastoid silent region 5107; plus strand). Cytogenetic location: 12q24.33.
Variant type: single nucleotide variant.
Coding change: c.170G>A on transcript NM_025215.6 (MANE Select); coding-DNA position 170, G replaced by A.
Protein change: p.Arg57His; replaces arginine 57 with histidine.
Molecular consequence: missense variant.
Genome position (GRCh38, 1-based): chr12:131,930,002, G>A. VCF-style: chr12-131930002-G-A. GRCh37 (hg19) VCF-style: chr12-132414547-G-A.
Other names: c.86G>A, p.Arg29His (NM_001002019.3, NM_001002020.3); short protein forms R29H, R57H.
Identifiers: ClinVar variation 3342820 (VCV003342820.2).

ClinVar aggregate classification (germline): Uncertain significance. Review status: criteria provided, multiple submitters, no conflicts (2 of 4 stars). 2 submissions from 2 submitters: Uncertain significance (2). Last evaluated 2025-05-26.

Conditions:
Inborn genetic diseases. Identifiers: MedGen C0950123, MeSH D030342.

Submissions (2):

Ambry Genetics
Classification: Uncertain significance for Inborn genetic diseases. Last evaluated: 2025-05-26. Review status: criteria provided, single submitter. Criteria: Ambry Variant Classification Scheme 2023. Collection method: clinical testing. Allele origin: germline.

GeneDx
Classification: Uncertain significance. Last evaluated: 2024-03-26. Review status: criteria provided, single submitter. Criteria: GeneDx Variant Classification Process June 2021. Collection method: clinical testing. Allele origin: germline. Affected: yes.
Comment: Not observed at significant frequency in large population cohorts (gnomAD); In silico analysis supports that this missense variant does not alter protein structure/function; Has not been previously published as pathogenic or benign to our knowledge